The following is an entry in ClinVar:

NM_001267550.2(TTN):c.27425C>T (p.Ser9142Leu)

Gene: TTN (titin; minus strand). Cytogenetic location: 2q31.2.
Variant type: single nucleotide variant.
Coding change: c.27425C>T on transcript NM_001267550.2 (MANE Select); coding-DNA position 27425, C replaced by T.
Protein change: p.Ser9142Leu; replaces serine 9142 with leucine.
Molecular consequence: missense variant. On other transcripts: intron variant (3).
Genome position (GRCh38, 1-based): chr2:178,712,497, G>A on the plus strand (C>T on the coding strand, the complement: TTN is on the minus strand). VCF-style: chr2-178712497-G-A. GRCh37 (hg19) VCF-style: chr2-179577224-G-A.
Other names: c.26474C>T, p.Ser8825Leu (NM_001256850.1); c.23693C>T, p.Ser7898Leu (NM_133378.4); c.13282+25585C>T (NM_003319.4); c.13858+25585C>T (NM_133437.4); c.13657+25585C>T (NM_133432.3); short protein forms S9142L, S7898L, S8825L.
Identifiers: ClinVar variation 466961 (VCV000466961.6), dbSNP rs781609380, ClinGen allele CA1999812.
Genomic context (GRCh38, chr2:178,712,497, plus strand): 5'-GTAGTTATATTACACCTCTGAGAAGGAGTTACATTTATGCCATTTTTCTTCCAGGTAACC[G>A]AAATGGGAGGAGTTCCAGTGAATGTACCCTCTAGGATCAGGGGTTTTCCTTTCTCTATGC-3'
Protein context (NP_001254479.2, residues 9132-9152): EGTFTGTPPI[Ser9142Leu]VTWKKNGINV

ClinVar aggregate classification (germline): Uncertain significance. Review status: criteria provided, multiple submitters, no conflicts (2 of 4 stars). 3 submissions from 3 submitters: Uncertain significance (3). Last evaluated 2022-09-07.

Conditions:
Autosomal recessive limb-girdle muscular dystrophy type 2J (LGMDR10). Also called: Limb-girdle muscular dystrophy, type 2J; MUSCULAR DYSTROPHY, LIMB-GIRDLE, AUTOSOMAL RECESSIVE 10. Identifiers: Orphanet 140922, MedGen C1837342, MONDO:0012127, OMIM 608807.
Dilated cardiomyopathy 1G (CMD1G). Identifiers: Orphanet 154, MedGen C1858763, MONDO:0011400, OMIM 604145.
TTN-related disorder. Also called: TTN-related condition; TTN-related disease; TTN-related disorders.

Allele frequency attached by ClinVar (database versions not stated): ExAC 0.00001; gnomAD 0.00001; gnomAD exomes 0.00001; TOPMed 0.00002.
gnomAD v4.1: 19 of 1,613,616 alleles (0.0012%); highest among the groups gnomAD compares: South Asian, 0.0044%; no homozygotes.

Submissions (3):

PreventionGenetics, part of Exact Sciences
Classification: Uncertain significance for TTN-related condition. Last evaluated: 2022-09-07. Review status: criteria provided, single submitter. Criteria: ACMG Guidelines, 2015. Collection method: clinical testing. Allele origin: germline.
Comment: The TTN c.27425C>T variant is predicted to result in the amino acid substitution p.Ser9142Leu. To our knowledge, this variant has not been reported in the literature. This variant is reported in 0.0065% of alleles in individuals of South Asian descent in gnomAD. At this time, the clinical significance of this variant is uncertain due to the absence of conclusive functional and genetic evidence.

GeneDx
Classification: Uncertain significance. Last evaluated: 2020-07-08. Review status: criteria provided, single submitter. Criteria: GeneDx Variant Classification Process June 2021. Collection method: clinical testing. Allele origin: germline. Affected: yes.
Comment: Not observed at a significant frequency in large population cohorts (Lek et al., 2016); In silico analysis supports that this missense variant has a deleterious effect on protein structure/function; Missense variant in a gene in which most reported pathogenic variants are truncating/loss-of-function; Has not been previously published as pathogenic or benign to our knowledge

Labcorp Genetics (formerly Invitae), Labcorp
Classification: Uncertain significance for Dilated cardiomyopathy 1G; Autosomal recessive limb-girdle muscular dystrophy type 2J. Last evaluated: 2017-06-12. Review status: criteria provided, single submitter. Criteria: Invitae Variant Classification Sherloc (09022015). Collection method: clinical testing. Allele origin: germline.